The following is an entry in ClinVar:

ClinVar aggregate classification (germline): Uncertain significance (1 of 4 stars; one submission).

Submission:

Labcorp Genetics (formerly Invitae), Labcorp
Classification: Uncertain significance. Last evaluated: 2023-08-30. Review status: criteria provided, single submitter. Criteria: Invitae Variant Classification Sherloc (09022015). Collection method: clinical testing. Allele origin: germline.
Comment: Advanced modeling of protein sequence and biophysical properties (such as structural, functional, and spatial information, amino acid conservation, physicochemical variation, residue mobility, and thermodynamic stability) performed at Invitae indicates that this missense variant is not expected to disrupt MID1 protein function. ClinVar contains an entry for this variant (Variation ID: 2117630). This variant has not been reported in the literature in individuals affected with MID1-related conditions. This variant is not present in population databases (gnomAD no frequency). This sequence change replaces asparagine, which is neutral and polar, with serine, which is neutral and polar, at codon 234 of the MID1 protein (p.Asn234Ser). In summary, the available evidence is currently insufficient to determine the role of this variant in disease. Therefore, it has been classified as a Variant of Uncertain Significance.

NM_000381.4(MID1):c.701A>G (p.Asn234Ser)

Gene: MID1 (midline 1; minus strand). Cytogenetic location: Xp22.2.
Variant type: single nucleotide variant.
Coding change: c.701A>G on transcript NM_000381.4 (MANE Select); coding-DNA position 701, A replaced by G.
Protein change: p.Asn234Ser; replaces asparagine 234 with serine.
Molecular consequence: missense variant.
Genome position (GRCh38, 1-based): chrX:10,523,147, T>C on the plus strand (A>G on the coding strand, the complement: MID1 is on the minus strand). VCF-style: chrX-10523147-T-C. GRCh37 (hg19) VCF-style: chrX-10491187-T-C.
Other names: c.701A>G, p.Asn234Ser (NM_001098624.2, NM_001193277.1, NM_001193278.1 and 3 more transcripts); c.587A>G, p.Asn196Ser (NM_001193280.1, NM_033289.2); short protein forms N234S, N196S.
Identifiers: ClinVar variation 2117630 (VCV002117630.4), dbSNP rs2519099633, ClinGen allele CA412051567.